The following is an entry in ClinVar:

NM_012281.3(KCND2):c.1467G>T (p.Thr489=)

Gene: KCND2 (potassium voltage-gated channel subfamily D member 2; plus strand). Cytogenetic location: 7q31.31.
Variant type: single nucleotide variant.
Coding change: c.1467G>T on transcript NM_012281.3 (MANE Select); coding-DNA position 1467, G replaced by T.
Protein change: p.Thr489=; no amino-acid change (threonine 489 retained).
Molecular consequence: synonymous variant.
Genome position (GRCh38, 1-based): chr7:120,742,602, G>T. VCF-style: chr7-120742602-G-T. GRCh37 (hg19) VCF-style: chr7-120382656-G-T.
Identifiers: ClinVar variation 2663566 (VCV002663566.1), dbSNP rs762124346, ClinGen allele CA457393709.

ClinVar aggregate classification (germline): Uncertain significance (1 of 4 stars; one submission).

Allele frequency attached by ClinVar (database versions not stated): TOPMed below 0.00001.
gnomAD v4.1: 4 of 1,611,980 alleles (0.00025%); highest among the groups gnomAD compares: Non-Finnish European, 0.00034%; no homozygotes.

Submission:

GeneDx
Classification: Uncertain significance. Last evaluated: 2023-05-14. Review status: criteria provided, single submitter. Criteria: GeneDx Variant Classification Process June 2021. Collection method: clinical testing. Allele origin: germline. Affected: yes.
Comment: Not observed at significant frequency in large population cohorts (gnomAD); In silico analysis is inconclusive as to whether the variant alters gene splicing. In the absence of RNA/functional studies, the actual effect of this sequence change is unknown.; Has not been previously published as pathogenic or benign to our knowledge